The following is an entry in ClinVar:

NM_000368.5(TSC1):c.2604C>G (p.Asn868Lys)

Gene: TSC1 (TSC complex subunit 1; minus strand). Cytogenetic location: 9q34.13.
Variant type: single nucleotide variant.
Coding change: c.2604C>G on transcript NM_000368.5 (MANE Select); coding-DNA position 2604, C replaced by G.
Protein change: p.Asn868Lys; replaces asparagine 868 with lysine.
Molecular consequence: missense variant. On other transcripts: non-coding transcript variant (5).
Genome position (GRCh38, 1-based): chr9:132,900,736, G>C on the plus strand (C>G on the coding strand, the complement: TSC1 is on the minus strand). VCF-style: chr9-132900736-G-C. GRCh37 (hg19) VCF-style: chr9-135776123-G-C.
Other names: c.2601C>G, p.Asn867Lys (NM_001406597.1, NM_001406598.1, NM_001406599.1 and 2 more transcripts); c.2589C>G, p.Asn863Lys (NM_001406601.1, NM_001406602.1); c.2586C>G, p.Asn862Lys (NM_001406603.1, NM_001406604.1); c.2562C>G, p.Asn854Lys (NM_001406605.1, NM_001406606.1, NM_001406607.1); c.2241C>G, p.Asn747Lys (NM_001406616.1, NM_001406617.1, NM_001406618.1 and 4 more transcripts); c.2238C>G, p.Asn746Lys (NM_001406620.1, NM_001406621.1, NM_001406622.1 and 1 more transcripts); c.2199C>G, p.Asn733Lys (NM_001406624.1); c.2451C>G, p.Asn817Lys (NM_001162427.2, NM_001406610.1); and 8 more; short protein forms N517K, N550K, N816K, N862K, N863K, N867K, N551K, N733K.
Identifiers: ClinVar variation 2695761 (VCV002695761.3), dbSNP rs147163264, ClinGen allele CA375369907.

ClinVar aggregate classification (germline): Uncertain significance (1 of 4 stars; one submission).

Conditions:
Tuberous sclerosis 1 (TSC1). Identifiers: Orphanet 805, MedGen C1854465, MONDO:0008612, OMIM 191100.

Submission:

Labcorp Genetics (formerly Invitae), Labcorp
Classification: Uncertain significance for Tuberous sclerosis 1. Last evaluated: 2023-11-14. Review status: criteria provided, single submitter. Criteria: Invitae Variant Classification Sherloc (09022015). Collection method: clinical testing. Allele origin: germline.
Comment: This sequence change replaces asparagine, which is neutral and polar, with lysine, which is basic and polar, at codon 868 of the TSC1 protein (p.Asn868Lys). This variant is not present in population databases (gnomAD no frequency). This variant has not been reported in the literature in individuals affected with TSC1-related conditions. Advanced modeling of protein sequence and biophysical properties (such as structural, functional, and spatial information, amino acid conservation, physicochemical variation, residue mobility, and thermodynamic stability) performed at Invitae indicates that this missense variant is not expected to disrupt TSC1 protein function with a negative predictive value of 95%. In summary, the available evidence is currently insufficient to determine the role of this variant in disease. Therefore, it has been classified as a Variant of Uncertain Significance.